The following is an entry in ClinVar:

ClinVar aggregate classification (germline): Uncertain significance (1 of 4 stars; one submission).

Conditions:
Leber congenital amaurosis 1 (LCA1). Also called: AMAUROSIS CONGENITA OF LEBER I; RETINAL BLINDNESS, CONGENITAL; Congenital absence of the rods and cones; Leber's congenital tapetoretinal degeneration; Leber's congenital tapetoretinal dysplasia. Identifiers: Orphanet 65, MedGen C2931258, MONDO:0008764, OMIM 204000.
Cone-rod dystrophy 6 (CORD6). Also called: RETINAL CONE DYSTROPHY 2; Cone dystrophy progressive. Identifiers: Orphanet 1872, MedGen C1866293, MONDO:0011143, OMIM 601777.

gnomAD v4.1: 11 of 1,614,096 alleles (0.00068%); highest among the groups gnomAD compares: Admixed American, 0.0017%; no homozygotes.

Submission:

Labcorp Genetics (formerly Invitae), Labcorp
Classification: Uncertain significance for Leber congenital amaurosis 1; Cone-rod dystrophy 6. Last evaluated: 2025-07-28. Review status: criteria provided, single submitter. Criteria: Invitae Variant Classification Sherloc (09022015). Collection method: clinical testing. Allele origin: germline.
Comment: This sequence change replaces valine, which is neutral and non-polar, with isoleucine, which is neutral and non-polar, at codon 466 of the GUCY2D protein (p.Val466Ile). This variant is present in population databases (rs771764405, gnomAD 0.003%). This variant has not been reported in the literature in individuals affected with GUCY2D-related conditions. Invitae Evidence Modeling of protein sequence and biophysical properties (such as structural, functional, and spatial information, amino acid conservation, physicochemical variation, residue mobility, and thermodynamic stability) indicates that this missense variant is not expected to disrupt GUCY2D protein function with a negative predictive value of 80%. In summary, the available evidence is currently insufficient to determine the role of this variant in disease. Therefore, it has been classified as a Variant of Uncertain Significance.

NM_000180.4(GUCY2D):c.1396G>A (p.Val466Ile)

Gene: GUCY2D (guanylate cyclase 2D, retinal; plus strand). Cytogenetic location: 17p13.1.
Variant type: single nucleotide variant.
Coding change: c.1396G>A on transcript NM_000180.4 (MANE Select); coding-DNA position 1396, G replaced by A.
Protein change: p.Val466Ile; replaces valine 466 with isoleucine.
Molecular consequence: missense variant.
Genome position (GRCh38, 1-based): chr17:8,007,077, G>A. VCF-style: chr17-8007077-G-A. GRCh37 (hg19) VCF-style: chr17-7910395-G-A.
Other names: short protein forms V466I.
Identifiers: ClinVar variation 4792835 (VCV004792835.1).